The following is an entry in ClinVar:

ClinVar aggregate classification (germline): Uncertain significance (1 of 4 stars; one submission).

gnomAD v4.1: 10 of 1,614,078 alleles (0.00062%); highest among the groups gnomAD compares: Admixed American, 0.0067%; no homozygotes.

Submission:

Ambry Genetics
Classification: Uncertain significance. Last evaluated: 2024-11-23. Review status: criteria provided, single submitter. Criteria: Ambry Variant Classification Scheme 2023. Collection method: clinical testing. Allele origin: germline.
Comment: The p.D85H variant (also known as c.253G>C), located in coding exon 1 of the CDK12 gene, results from a G to C substitution at nucleotide position 253. The aspartic acid at codon 85 is replaced by histidine, an amino acid with similar properties. This amino acid position is conserved. In addition, this alteration is predicted to be tolerated by in silico analysis. Based on the available evidence, the clinical significance of this variant remains unclear.

NM_016507.4(CDK12):c.253G>C (p.Asp85His)

Genes: CDK12 (cyclin dependent kinase 12; plus strand), LOC126862553 (CDK7 strongly-dependent group 2 enhancer GRCh37_chr17:37618166-37619365; plus strand). Cytogenetic location: 17q12.
Variant type: single nucleotide variant.
Coding change: c.253G>C on transcript NM_016507.4 (MANE Select); coding-DNA position 253, G replaced by C.
Protein change: p.Asp85His; replaces aspartic acid 85 with histidine.
Molecular consequence: missense variant.
Genome position (GRCh38, 1-based): chr17:39,462,324, G>C. VCF-style: chr17-39462324-G-C. GRCh37 (hg19) VCF-style: chr17-37618577-G-C.
Other names: c.253G>C, p.Asp85His (NM_015083.4); short protein forms D85H.
Identifiers: ClinVar variation 3489255 (VCV003489255.1).